The following is an entry in ClinVar:

NM_207361.6(FREM2):c.3074T>C (p.Leu1025Pro)

Gene: FREM2 (FRAS1 related extracellular matrix 2; plus strand). Cytogenetic location: 13q13.3.
Variant type: single nucleotide variant.
Coding change: c.3074T>C on transcript NM_207361.6 (MANE Select); coding-DNA position 3074, T replaced by C.
Protein change: p.Leu1025Pro; replaces leucine 1025 with proline.
Molecular consequence: missense variant.
Genome position (GRCh38, 1-based): chr13:38,690,418, T>C. VCF-style: chr13-38690418-T-C. GRCh37 (hg19) VCF-style: chr13-39264555-T-C.
Other names: short protein forms L1025P.
Identifiers: ClinVar variation 2107852 (VCV002107852.4), dbSNP rs2541357164, ClinGen allele CA387890187.

ClinVar aggregate classification (germline): Uncertain significance (1 of 4 stars; one submission).

gnomAD v4.1: 1 of 1,614,140 alleles (0.000062%); highest among the groups gnomAD compares: Non-Finnish European, 0.000085%; no homozygotes.

Submission:

Labcorp Genetics (formerly Invitae), Labcorp
Classification: Uncertain significance. Last evaluated: 2024-02-24. Review status: criteria provided, single submitter. Criteria: Invitae Variant Classification Sherloc (09022015). Collection method: clinical testing. Allele origin: germline.
Comment: This sequence change replaces leucine, which is neutral and non-polar, with proline, which is neutral and non-polar, at codon 1025 of the FREM2 protein (p.Leu1025Pro). This variant is not present in population databases (gnomAD no frequency). This variant has not been reported in the literature in individuals affected with FREM2-related conditions. ClinVar contains an entry for this variant (Variation ID: 2107852). Advanced modeling of protein sequence and biophysical properties (such as structural, functional, and spatial information, amino acid conservation, physicochemical variation, residue mobility, and thermodynamic stability) performed at Invitae indicates that this missense variant is not expected to disrupt FREM2 protein function with a negative predictive value of 80%. In summary, the available evidence is currently insufficient to determine the role of this variant in disease. Therefore, it has been classified as a Variant of Uncertain Significance.